The following is an entry in ClinVar:

NM_181741.4(ORC4):c.1111G>A (p.Val371Ile)

Gene: ORC4 (origin recognition complex subunit 4; minus strand). Cytogenetic location: 2q23.1.
Variant type: single nucleotide variant.
Coding change: c.1111G>A on transcript NM_181741.4 (MANE Select); coding-DNA position 1111, G replaced by A.
Protein change: p.Val371Ile; replaces valine 371 with isoleucine.
Molecular consequence: missense variant.
Genome position (GRCh38, 1-based): chr2:147,938,157, C>T on the plus strand (G>A on the coding strand, the complement: ORC4 is on the minus strand). VCF-style: chr2-147938157-C-T. GRCh37 (hg19) VCF-style: chr2-148695726-C-T.
Other names: c.1111G>A, p.Val371Ile (NM_001190879.3, NM_001374270.1, NM_002552.5 and 1 more transcripts); c.859G>A, p.Val287Ile (NM_001190881.3, NM_001374272.1); c.889G>A, p.Val297Ile (NM_001190882.3); short protein forms V371I, V287I, V297I.
Identifiers: ClinVar variation 1403762 (VCV001403762.8), dbSNP rs1688159655, ClinGen allele CA348710560.
Genomic context (GRCh38, chr2:147,938,157, plus strand): 5'-GTAAAAAATATACTTGTCTGTAGAAAAATGACAGCAAACTAAATCTTACCTTCATGACAA[C>T]AGGTTTTTCAAAATTATAAACGGAATGTGCTTTCCTTTGAACAAACTTCTGAAACTCTGA-3'
Protein context (NP_859525.1, residues 361-381): AHSVYNFEKP[Val371Ile]VMKAFEHLQQ

ClinVar aggregate classification (germline): Uncertain significance (1 of 4 stars; one submission).

Submission:

Labcorp Genetics (formerly Invitae), Labcorp
Classification: Uncertain significance. Last evaluated: 2024-02-24. Review status: criteria provided, single submitter. Criteria: Invitae Variant Classification Sherloc (09022015). Collection method: clinical testing. Allele origin: germline.
Comment: This sequence change replaces valine, which is neutral and non-polar, with isoleucine, which is neutral and non-polar, at codon 371 of the ORC4 protein (p.Val371Ile). This variant is not present in population databases (gnomAD no frequency). This variant has not been reported in the literature in individuals affected with ORC4-related conditions. ClinVar contains an entry for this variant (Variation ID: 1403762). Advanced modeling of protein sequence and biophysical properties (such as structural, functional, and spatial information, amino acid conservation, physicochemical variation, residue mobility, and thermodynamic stability) performed at Invitae indicates that this missense variant is not expected to disrupt ORC4 protein function with a negative predictive value of 80%. In summary, the available evidence is currently insufficient to determine the role of this variant in disease. Therefore, it has been classified as a Variant of Uncertain Significance.